The following is an entry in ClinVar:

NM_001271.4(CHD2):c.4010C>A (p.Ala1337Asp)

Gene: CHD2 (chromodomain helicase DNA binding protein 2; plus strand). Cytogenetic location: 15q26.1.
Variant type: single nucleotide variant.
Coding change: c.4010C>A on transcript NM_001271.4 (MANE Select); coding-DNA position 4010, C replaced by A.
Protein change: p.Ala1337Asp; replaces alanine 1337 with aspartic acid.
Molecular consequence: missense variant.
Genome position (GRCh38, 1-based): chr15:93,000,513, C>A. VCF-style: chr15-93000513-C-A. GRCh37 (hg19) VCF-style: chr15-93543743-C-A.
Other names: short protein forms A1337D.
Identifiers: ClinVar variation 3702001 (VCV003702001.2).

ClinVar aggregate classification (germline): Uncertain significance (1 of 4 stars; one submission).

Conditions:
Developmental and epileptic encephalopathy 94 (DEE94). Also called: CHD2-Related Neurodevelopmental Disorders; Epileptic encephalopathy, childhood-onset. Identifiers: Orphanet 1942, Orphanet 2382, MedGen C3809278, MONDO:0014150, OMIM 615369.

gnomAD v4.1: 2 of 1,604,372 alleles (0.00012%); highest among the groups gnomAD compares: African/African-American, 0.0027%; no homozygotes.

Submission:

Labcorp Genetics (formerly Invitae), Labcorp
Classification: Uncertain significance for Developmental and epileptic encephalopathy 94. Last evaluated: 2024-10-06. Review status: criteria provided, single submitter. Criteria: Invitae Variant Classification Sherloc (09022015). Collection method: clinical testing. Allele origin: germline.
Comment: This sequence change replaces alanine, which is neutral and non-polar, with aspartic acid, which is acidic and polar, at codon 1337 of the CHD2 protein (p.Ala1337Asp). The frequency data for this variant in the population databases is considered unreliable, as metrics indicate poor data quality at this position in the gnomAD database. This variant has not been reported in the literature in individuals affected with CHD2-related conditions. An algorithm developed to predict the effect of missense changes on protein structure and function (PolyPhen-2) suggests that this variant is likely to be tolerated. In summary, the available evidence is currently insufficient to determine the role of this variant in disease. Therefore, it has been classified as a Variant of Uncertain Significance.